The following is an entry in ClinVar:

ClinVar aggregate classification (germline): Benign (1 of 4 stars; one submission).

Allele frequency attached by ClinVar (database versions not stated): gnomAD exomes 0.41738; gnomAD 0.52339 and 0.52482; TOPMed 0.54531; 1000 Genomes Project 0.62623; 1000 Genomes Project 30x 0.62893.
gnomAD v4.1: 307,956 of 707,551 alleles (44%); highest among the groups gnomAD compares: African/African-American, 80%; 49,460 homozygotes.

Submission:

GeneDx
Classification: Benign. Last evaluated: 2018-06-14. Review status: criteria provided, single submitter. Criteria: GeneDx Variant Classification (06012015). Collection method: clinical testing. Allele origin: germline. Affected: yes.
Comment: This variant is considered likely benign or benign based on one or more of the following criteria: it is a conservative change, it occurs at a poorly conserved position in the protein, it is predicted to be benign by multiple in silico algorithms, and/or has population frequency not consistent with disease.

NM_004006.3(DMD):c.1483-110G>A

Gene: DMD (dystrophin; minus strand). Cytogenetic location: Xp21.1.
Variant type: single nucleotide variant.
Coding change: c.1483-110G>A on transcript NM_004006.3 (MANE Select); 110 bases into the intron before coding-DNA position 1483, G replaced by A.
Molecular consequence: intron variant.
Genome position (GRCh38, 1-based): chrX:32,595,986, C>T on the plus strand (G>A on the coding strand, the complement: DMD is on the minus strand). VCF-style: chrX-32595986-C-T. GRCh37 (hg19) VCF-style: chrX-32614103-C-T.
Other names: c.1459-110G>A (NM_000109.4); c.1471-110G>A (NM_004009.3); c.1114-110G>A (NM_004010.3).
Identifiers: ClinVar variation 671082 (VCV000671082.1), dbSNP rs808543, ClinGen allele CA328537381.